The following is an entry in ClinVar:

NC_000005.10:g.112707436C>A

Gene: APC (APC regulator of Wnt signaling pathway; plus strand). Cytogenetic location: 5q22.2.
Variant type: single nucleotide variant.
Genome position: GRCh38 VCF-style: chr5-112707436-C-A. GRCh37 (hg19) VCF-style: chr5-112043133-C-A.
Identifiers: ClinVar variation 4721276 (VCV004721276.1).
Genomic context (GRCh38, chr5:112,707,436, plus strand): 5'-TGGCTCACGGGACAGAACAGCGAAGCAGTGCCCGGCAAGCGGAGCGCAGCACCCATTGCG[C>A]CTGCGCATAACAGGCTCTAGTCTCCGGGCTGTGGGAAGCCAGCAACACCTCTCACGCATG-3'

ClinVar aggregate classification (germline): Uncertain significance (1 of 4 stars; one submission).

Conditions:
Familial adenomatous polyposis 1 (FAP1). Also called: FAMILIAL ADENOMATOUS POLYPOSIS 1, ATTENUATED; POLYPOSIS, ADENOMATOUS INTESTINAL. Identifiers: MedGen C2713442, MONDO:0021056, OMIM 175100. Disease mechanism: loss of function.

Submission:

Labcorp Genetics (formerly Invitae), Labcorp
Classification: Uncertain significance for Familial adenomatous polyposis 1. Last evaluated: 2025-06-16. Review status: criteria provided, single submitter. Criteria: Invitae Variant Classification Sherloc (09022015). Collection method: clinical testing. Allele origin: germline.
Comment: This variant occurs in a non-coding region of the APC gene. It does not change the encoded amino acid sequence of the APC protein. This variant is not present in population databases (gnomAD no frequency). This variant has not been reported in the literature in individuals affected with APC-related conditions. Experimental studies and prediction algorithms are not available or were not evaluated, and the functional significance of this variant is currently unknown. In summary, the available evidence is currently insufficient to determine the role of this variant in disease. Therefore, it has been classified as a Variant of Uncertain Significance.